The following is an entry in ClinVar:

ClinVar aggregate classification (germline): Uncertain significance (1 of 4 stars; one submission).

Conditions:
Inborn genetic diseases. Identifiers: MedGen C0950123, MeSH D030342.

Submission:

Ambry Genetics
Classification: Uncertain significance for Inborn genetic diseases. Last evaluated: 2025-02-09. Review status: criteria provided, single submitter. Criteria: Ambry Variant Classification Scheme 2023. Collection method: clinical testing. Allele origin: germline.
Comment: The p.V614A variant (also known as c.1841T>C), located in coding exon 16 of the KDM1A gene, results from a T to C substitution at nucleotide position 1841. The valine at codon 614 is replaced by alanine, an amino acid with similar properties. This amino acid position is conserved. In addition, this alteration is predicted to be deleterious by in silico analysis. Based on the available evidence, the clinical significance of this variant remains unclear.

NM_001009999.3(KDM1A):c.1841T>C (p.Val614Ala)

Gene: KDM1A (lysine demethylase 1A; plus strand). Cytogenetic location: 1p36.12.
Variant type: single nucleotide variant.
Coding change: c.1841T>C on transcript NM_001009999.3 (MANE Select); coding-DNA position 1841, T replaced by C.
Protein change: p.Val614Ala; replaces valine 614 with alanine.
Molecular consequence: missense variant.
Genome position (GRCh38, 1-based): chr1:23,077,334, T>C. VCF-style: chr1-23077334-T-C. GRCh37 (hg19) VCF-style: chr1-23403827-T-C.
Other names: c.1787T>C, p.Val596Ala (NM_001363654.2); c.1847T>C, p.Val616Ala (NM_001410762.1); c.1769T>C, p.Val590Ala (NM_001410763.1, NM_015013.4); short protein forms V596A, V614A, V616A, V590A.
Identifiers: ClinVar variation 3863320 (VCV003863320.1).